The following is an entry in ClinVar:

NM_020754.4(ARHGAP31):c.2093C>G (p.Pro698Arg)

Gene: ARHGAP31 (Rho GTPase activating protein 31; plus strand). Cytogenetic location: 3q13.33.
Variant type: single nucleotide variant.
Coding change: c.2093C>G on transcript NM_020754.4 (MANE Select); coding-DNA position 2093, C replaced by G.
Protein change: p.Pro698Arg; replaces proline 698 with arginine.
Molecular consequence: missense variant.
Genome position (GRCh38, 1-based): chr3:119,414,022, C>G. VCF-style: chr3-119414022-C-G. GRCh37 (hg19) VCF-style: chr3-119132869-C-G.
Other names: short protein forms P698R.
Identifiers: ClinVar variation 3711757 (VCV003711757.2).

ClinVar aggregate classification (germline): Uncertain significance (1 of 4 stars; one submission).

gnomAD v4.1: 8 of 1,614,054 alleles (0.0005%); highest among the groups gnomAD compares: Non-Finnish European, 0.00059%; no homozygotes.

Submission:

Labcorp Genetics (formerly Invitae), Labcorp
Classification: Uncertain significance. Last evaluated: 2024-04-04. Review status: criteria provided, single submitter. Criteria: Invitae Variant Classification Sherloc (09022015). Collection method: clinical testing. Allele origin: germline.
Comment: This sequence change replaces proline, which is neutral and non-polar, with arginine, which is basic and polar, at codon 698 of the ARHGAP31 protein (p.Pro698Arg). This variant is present in population databases (rs369527452, gnomAD 0.007%). This variant has not been reported in the literature in individuals affected with ARHGAP31-related conditions. An algorithm developed to predict the effect of missense changes on protein structure and function (PolyPhen-2) suggests that this variant is likely to be tolerated. In summary, the available evidence is currently insufficient to determine the role of this variant in disease. Therefore, it has been classified as a Variant of Uncertain Significance.